The following is an entry in ClinVar:

ClinVar aggregate classification (germline): Uncertain significance (1 of 4 stars; one submission).

Conditions:
Charcot-Marie-Tooth disease axonal type 2O. Also called: CHARCOT-MARIE-TOOTH NEUROPATHY, AXONAL, TYPE 2O; CHARCOT-MARIE-TOOTH DISEASE, AXONAL, AUTOSOMAL DOMINANT, TYPE 2O; Charcot-Marie-Tooth Neuropathy Type 2O; Charcot-Marie-Tooth disease, axonal, type 20. Identifiers: Orphanet 284232, MedGen C3280220, MONDO:0013644, OMIM 614228.

Allele frequency attached by ClinVar (database versions not stated): gnomAD exomes below 0.00001.

Submission:

Labcorp Genetics (formerly Invitae), Labcorp
Classification: Uncertain significance for Charcot-Marie-Tooth disease axonal type 2O. Last evaluated: 2023-07-25. Review status: criteria provided, single submitter. Criteria: Invitae Variant Classification Sherloc (09022015). Collection method: clinical testing. Allele origin: germline.
Comment: This variant is not present in population databases (gnomAD no frequency). This sequence change falls in intron 18 of the DYNC1H1 gene. It does not directly change the encoded amino acid sequence of the DYNC1H1 protein. This variant has not been reported in the literature in individuals affected with DYNC1H1-related conditions. Algorithms developed to predict the effect of sequence changes on RNA splicing suggest that this variant may create or strengthen a splice site. In summary, the available evidence is currently insufficient to determine the role of this variant in disease. Therefore, it has been classified as a Variant of Uncertain Significance.

NM_001376.5(DYNC1H1):c.4075-15del

Gene: DYNC1H1 (dynein cytoplasmic 1 heavy chain 1; plus strand). Cytogenetic location: 14q32.31.
Variant type: Deletion.
Coding change: c.4075-15del on transcript NM_001376.5 (MANE Select); 15 bases into the intron before coding-DNA position 4075, one base deleted (T; older notation c.4075-15delT).
Molecular consequence: intron variant.
Genome position (GRCh38, 1-based): chr14:102,000,939, T deleted. VCF-style (leftmost placement, unchanged base first): chr14-102000938-AT-A. GRCh37 (hg19) VCF-style: chr14-102467275-AT-A.
Identifiers: ClinVar variation 2746466 (VCV002746466.3), dbSNP rs2503729326, ClinGen allele CA2575626428.